The following is an entry in ClinVar:

NM_005909.5(MAP1B):c.2493A>C (p.Ser831=)

Gene: MAP1B (microtubule associated protein 1B; plus strand). Cytogenetic location: 5q13.2.
Variant type: single nucleotide variant.
Coding change: c.2493A>C on transcript NM_005909.5 (MANE Select); coding-DNA position 2493, A replaced by C.
Protein change: p.Ser831=; no amino-acid change (serine 831 retained).
Molecular consequence: synonymous variant.
Genome position (GRCh38, 1-based): chr5:72,195,848, A>C. VCF-style: chr5-72195848-A-C. GRCh37 (hg19) VCF-style: chr5-71491675-A-C.
Other names: c.2115A>C, p.Ser705= (NM_001324255.2).
Identifiers: ClinVar variation 4985023 (VCV004985023.1).

ClinVar aggregate classification (germline): Likely benign (1 of 4 stars; one submission).

Conditions:
MAP1B-related disorder. Also called: MAP1B-related condition.

gnomAD v4.1: 4 of 1,614,090 alleles (0.00025%); highest among the groups gnomAD compares: Non-Finnish European, 0.00034%; no homozygotes.

Submission:

PreventionGenetics, part of Exact Sciences
Classification: Likely benign for MAP1B-related condition. Last evaluated: 2024-11-14. Review status: criteria provided, single submitter. Criteria: ACMG Guidelines, 2015. Collection method: clinical testing. Allele origin: germline.
Comment: This variant is classified as likely benign based on ACMG/AMP sequence variant interpretation guidelines (Richards et al. 2015 PMID: 25741868, with internal and published modifications).